The following is an entry in ClinVar:

ClinVar aggregate classification (germline): Conflicting classifications of pathogenicity. Review status: criteria provided, conflicting classifications (1 of 4 stars). 7 submissions from 7 submitters: Uncertain significance (1); Likely benign (5). 1 of the submissions does not count toward it. Last evaluated 2026-07-01.

Conditions:
CREB3L1-related disorder. Also called: CREB3L1-related condition.
Osteogenesis imperfecta type 16. Also called: Osteogenesis imperfecta, type xvi; OI, TYPE XVI. Identifiers: Orphanet 666, MedGen C4015610, MONDO:0014544, OMIM 616229.

Allele frequency attached by ClinVar (database versions not stated): 1000 Genomes Project 30x 0.00016; 1000 Genomes Project 0.00020; gnomAD 0.00345 and 0.00364; TOPMed 0.00348; gnomAD exomes 0.00352 and 0.00505; ExAC 0.00386; ESP Exome Variant Server 0.00413.
gnomAD v4.1: 7,753 of 1,598,084 alleles (0.49%); highest among the groups gnomAD compares: Non-Finnish European, 0.59%; 24 homozygotes.

Submissions (7):

CeGaT Center for Human Genetics Tuebingen
Classification: Likely benign. Last evaluated: 2026-07-01. Review status: criteria provided, single submitter. Criteria: CeGaT Center For Human Genetics Tuebingen Variant Classification Criteria Version 2. Collection method: clinical testing. Allele origin: germline. Affected: yes. Observed: 2 variant alleles.
Comment: CREB3L1: BS2

Labcorp Genetics (formerly Invitae), Labcorp
Classification: Likely benign. Last evaluated: 2026-01-12. Review status: criteria provided, single submitter. Criteria: Invitae Variant Classification Sherloc (09022015). Collection method: clinical testing. Allele origin: germline.

Blueprint Genetics
Classification: Likely benign. Last evaluated: 2024-11-26. Review status: criteria provided, single submitter. Criteria: ACMG Guidelines, 2015. Collection method: clinical testing. Allele origin: germline.

GeneDx
Classification: Likely benign. Last evaluated: 2024-04-02. Review status: criteria provided, single submitter. Criteria: GeneDx Variant Classification Process June 2021. Collection method: clinical testing. Allele origin: germline. Affected: yes.
Comment: See Variant Classification Assertion Criteria.

ARUP Laboratories, Molecular Genetics and Genomics, ARUP Laboratories
Classification: Likely benign for Osteogenesis imperfecta type 16. Last evaluated: 2023-10-09. Review status: criteria provided, single submitter. Criteria: ARUP Molecular Germline Variant Investigation Process 2024. Collection method: clinical testing. Allele origin: germline.

Baylor Genetics
Classification: Uncertain significance for Osteogenesis imperfecta type 16. Last evaluated: 2018-10-08. Review status: criteria provided, single submitter. Criteria: ACMG Guidelines, 2015. Collection method: clinical testing. Allele origin: paternal. Affected: yes.
Comment: This variant was determined to be of uncertain significance according to ACMG Guidelines, 2015 [PMID:25741868].

PreventionGenetics, part of Exact Sciences
Classification: Benign for CREB3L1-related condition. Last evaluated: 2019-03-06. Review status: no assertion criteria provided. Collection method: clinical testing. Allele origin: germline. Not counted in ClinVar's aggregate classification.
Comment: This variant is classified as benign based on ACMG/AMP sequence variant interpretation guidelines (Richards et al. 2015 PMID: 25741868, with internal and published modifications).

NM_052854.4(CREB3L1):c.599A>T (p.Asp200Val)

Gene: CREB3L1 (cAMP responsive element binding protein 3 like 1; plus strand). Cytogenetic location: 11p11.2.
Variant type: single nucleotide variant.
Coding change: c.599A>T on transcript NM_052854.4 (MANE Select); coding-DNA position 599, A replaced by T.
Protein change: p.Asp200Val; replaces aspartic acid 200 with valine.
Molecular consequence: missense variant.
Genome position (GRCh38, 1-based): chr11:46,311,035, A>T. VCF-style: chr11-46311035-A-T. GRCh37 (hg19) VCF-style: chr11-46332586-A-T.
Other names: short protein forms D200V.
Identifiers: ClinVar variation 710354 (VCV000710354.30), dbSNP rs187725533, ClinGen allele CA5961637.